The following is an entry in ClinVar:

NM_212482.4(FN1):c.7274G>A (p.Arg2425His)

Genes: FN1 (fibronectin 1; minus strand), ATIC (5-aminoimidazole-4-carboxamide ribonucleotide formyltransferase/IMP cyclohydrolase; plus strand). Cytogenetic location: 2q35.
Variant type: single nucleotide variant.
Coding change: c.7274G>A on transcript NM_212482.4 (MANE Select); coding-DNA position 7274, G replaced by A.
Protein change: p.Arg2425His; replaces arginine 2425 with histidine.
Molecular consequence: missense variant.
Genome position (GRCh38, 1-based): chr2:215,362,057, C>T on the plus strand (G>A on the coding strand, the complement: FN1 is on the minus strand). VCF-style: chr2-215362057-C-T. GRCh37 (hg19) VCF-style: chr2-216226780-C-T.
Other names: c.7181G>A, p.Arg2394His (NM_001306129.2); c.6644G>A, p.Arg2215His (NM_001306130.2); c.6638G>A, p.Arg2213His (NM_001306131.2); c.6563G>A, p.Arg2188His (NM_001306132.2); c.7004G>A, p.Arg2335His (NM_001365517.2); c.7001G>A, p.Arg2334His (NM_001365518.2); c.6929G>A, p.Arg2310His (NM_001365519.2); c.6926G>A, p.Arg2309His (NM_001365520.2); and 8 more; short protein forms R2213H, R2279H, R2303H, R2304H, R2394H, R2124H, R2215H, R2309H.
Identifiers: ClinVar variation 759638 (VCV000759638.10), dbSNP rs148505961, ClinGen allele CA2093590.

ClinVar aggregate classification (germline): Likely benign. Review status: criteria provided, multiple submitters, no conflicts (2 of 4 stars). 3 submissions from 3 submitters: Likely benign (3). Last evaluated 2025-12-08.

Conditions:
FN1-related disorder. Also called: FN1-related condition.

Allele frequency attached by ClinVar (database versions not stated): 1000 Genomes Project 30x 0.00016; 1000 Genomes Project 0.00020; gnomAD 0.00044 and 0.00048; TOPMed 0.00045; ESP Exome Variant Server 0.00085.
gnomAD v4.1: 1,013 of 1,613,838 alleles (0.063%); highest among the groups gnomAD compares: Non-Finnish European, 0.082%; no homozygotes.

Submissions (3):

Labcorp Genetics (formerly Invitae), Labcorp
Classification: Likely benign. Last evaluated: 2025-12-08. Review status: criteria provided, single submitter. Criteria: Invitae Variant Classification Sherloc (09022015). Collection method: clinical testing. Allele origin: germline.

PreventionGenetics, part of Exact Sciences
Classification: Likely benign for FN1-related condition. Last evaluated: 2025-09-18. Review status: criteria provided, single submitter. Criteria: ACMG Guidelines, 2015. Collection method: clinical testing. Allele origin: germline.
Comment: This variant is classified as likely benign based on ACMG/AMP sequence variant interpretation guidelines (Richards et al. 2015 PMID: 25741868, with internal and published modifications).

Blueprint Genetics
Classification: Likely benign. Last evaluated: 2024-11-14. Review status: criteria provided, single submitter. Criteria: ACMG Guidelines, 2015. Collection method: clinical testing. Allele origin: germline.